The following is an entry in ClinVar:

ClinVar aggregate classification (germline): Uncertain significance (1 of 4 stars; one submission).

Conditions:
Hereditary cancer-predisposing syndrome. Also called: Neoplastic Syndromes, Hereditary; Tumor predisposition; Hereditary neoplastic syndrome; Hereditary Cancer Syndrome. Identifiers: Orphanet 140162, MedGen C0027672, MeSH D009386, MONDO:0015356.

Allele frequency attached by ClinVar (database versions not stated): gnomAD exomes below 0.00001.
gnomAD v4.1: 1 of 1,611,936 alleles (0.000062%); highest among the groups gnomAD compares: South Asian, 0.0011%; no homozygotes.

Submission:

Ambry Genetics
Classification: Uncertain significance for Hereditary cancer-predisposing syndrome. Last evaluated: 2023-01-01. Review status: criteria provided, single submitter. Criteria: Ambry Variant Classification Scheme 2023. Collection method: clinical testing. Allele origin: germline.
Comment: The p.N298Y variant (also known as c.892A>T), located in coding exon 6 of the PTCH1 gene, results from an A to T substitution at nucleotide position 892. The asparagine at codon 298 is replaced by tyrosine, an amino acid with dissimilar properties. This amino acid position is conserved. In addition, the in silico prediction for this alteration is inconclusive. Since supporting evidence is limited at this time, the clinical significance of this alteration remains unclear.

NM_000264.5(PTCH1):c.892A>T (p.Asn298Tyr)

Gene: PTCH1 (patched 1; minus strand). Cytogenetic location: 9q22.32.
Variant type: single nucleotide variant.
Coding change: c.892A>T on transcript NM_000264.5 (MANE Select); coding-DNA position 892, A replaced by T.
Protein change: p.Asn298Tyr; replaces asparagine 298 with tyrosine.
Molecular consequence: missense variant. On other transcripts: non-coding transcript variant (1).
Genome position (GRCh38, 1-based): chr9:95,480,443, T>A on the plus strand (A>T on the coding strand, the complement: PTCH1 is on the minus strand). VCF-style: chr9-95480443-T-A. GRCh37 (hg19) VCF-style: chr9-98242725-T-A.
Other names: c.694A>T, p.Asn232Tyr (NM_001083602.3); c.889A>T, p.Asn297Tyr (NM_001083603.3); c.439A>T, p.Asn147Tyr (NM_001083604.3, NM_001083605.3, NM_001083606.3 and 1 more transcripts); c.892A>T, p.Asn298Tyr (NM_001354918.2); short protein forms N147Y, N232Y, N297Y, N298Y.
Identifiers: ClinVar variation 2449660 (VCV002449660.2), dbSNP rs1588609918, ClinGen allele CA374113836.